The following is an entry in ClinVar:

NM_000051.4(ATM):c.6808_6810delinsTTT (p.Leu2270Phe)

Genes: ATM (ATM serine/threonine kinase; plus strand), C11orf65 (chromosome 11 open reading frame 65; minus strand). Cytogenetic location: 11q22.3.
Variant type: Indel.
Coding change: c.6808_6810delinsTTT on transcript NM_000051.4 (MANE Select); coding-DNA positions 6808 to 6810, CTC replaced by TTT.
Protein change: p.Leu2270Phe; replaces leucine 2270 with phenylalanine.
Molecular consequence: missense variant. On other transcripts: intron variant (2).
Genome position (GRCh38, 1-based): chr11:108,326,058-108,326,060, CTC replaced by TTT. VCF-style: chr11-108326058-CTC-TTT. GRCh37 (hg19) VCF-style: chr11-108196785-CTC-TTT.
Other names: c.6808_6810delinsTTT, p.Leu2270Phe (NM_001351834.2); c.641-16989_641-16987delinsAAA (NM_001330368.2); c.*38+9160_*38+9162delinsAAA (NM_001351110.2); short protein forms L2270F.
Identifiers: ClinVar variation 1755550 (VCV001755550.2), dbSNP rs2547215006, ClinGen allele CA2580083104.

ClinVar aggregate classification (germline): Uncertain significance (1 of 4 stars; one submission).

Conditions:
Hereditary cancer-predisposing syndrome. Also called: Hereditary neoplastic syndrome; Neoplastic Syndromes, Hereditary; Tumor predisposition; Hereditary Cancer Syndrome. Identifiers: Orphanet 140162, MedGen C0027672, MeSH D009386, MONDO:0015356.

Submission:

Ambry Genetics
Classification: Uncertain significance for Hereditary cancer-predisposing syndrome. Last evaluated: 2020-08-06. Review status: criteria provided, single submitter. Criteria: Ambry Variant Classification Scheme 2023. Collection method: clinical testing. Allele origin: germline.
Comment: The c.6808_6810delCTCinsTTT variant, located in coding exon 46 of the ATM gene, results from an in-frame deletion of CTC and insertion of TTT at nucleotide positions 6808 to 6810. This results in the substitution of the leucine residue for a phenylalanine residue at codon 2270, an amino acid with highly similar properties. This amino acid position is highly conserved in available vertebrate species. In addition, this alteration is predicted to be neutral by in silico analysis (Choi Y et al. PLoS ONE. 2012; 7(10):e46688). Since supporting evidence is limited at this time, the clinical significance of this alteration remains unclear.